The following is an entry in ClinVar:

NM_080680.3(COL11A2):c.3367-53del

Gene: COL11A2 (collagen type XI alpha 2 chain; minus strand). Cytogenetic location: 6p21.32.
Variant type: Deletion.
Coding change: c.3367-53del on transcript NM_080680.3 (MANE Select); 53 bases into the intron before coding-DNA position 3367, one base deleted (T; older notation c.3367-53delT).
Molecular consequence: intron variant.
Genome position (GRCh38, 1-based): chr6:33,170,970, A deleted on the plus strand (T on the coding strand, the reverse complement: COL11A2 is on the minus strand). VCF-style (leftmost placement, unchanged base first): chr6-33170969-CA-C. GRCh37 (hg19) VCF-style: chr6-33138746-CA-C.
Other names: c.3046-53del (NM_080679.3); c.3109-53del (NM_080681.3); c.3367-53delT (NM_080680.2).
Identifiers: ClinVar variation 674777 (VCV000674777.1), dbSNP rs9280358, ClinGen allele CA3750530.

ClinVar aggregate classification (germline): Benign (1 of 4 stars; one submission).

Allele frequency attached by ClinVar (database versions not stated): gnomAD exomes 0.70724 and 0.74456; ESP Exome Variant Server 0.71952; gnomAD 0.73546 and 0.74088; ExAC 0.74410; TOPMed 0.74505; 1000 Genomes Project 0.80531; 1000 Genomes Project 30x 0.80715.

Submission:

GeneDx
Classification: Benign. Last evaluated: 2018-06-13. Review status: criteria provided, single submitter. Criteria: GeneDx Variant Classification (06012015). Collection method: clinical testing. Allele origin: germline. Affected: yes.
Comment: This variant is considered likely benign or benign based on one or more of the following criteria: it is a conservative change, it occurs at a poorly conserved position in the protein, it is predicted to be benign by multiple in silico algorithms, and/or has population frequency not consistent with disease.